The following is an entry in ClinVar:

NM_000831.4(GRIK3):c.656_657insTTGA (p.Lys219delinsAsnTer)

Gene: GRIK3 (glutamate ionotropic receptor kainate type subunit 3; minus strand). Cytogenetic location: 1p34.3.
Variant type: Insertion.
Coding change: c.656_657insTTGA on transcript NM_000831.4 (MANE Select); coding-DNA positions 656 to 657, TTGA inserted.
Protein change: p.Lys219delinsAsnTer.
Molecular consequence: nonsense.
Genome position: GRCh38 VCF-style: chr1-36872263-C-CTCAA. GRCh37 (hg19) VCF-style: chr1-37337864-C-CTCAA.
Identifiers: ClinVar variation 4855474 (VCV004855474.1).

ClinVar aggregate classification (germline): Uncertain significance (1 of 4 stars; one submission).

Conditions:
GRIK3-related disorder.

Submission:

3billion
Classification: Uncertain significance for GRIK3-related disorder. Last evaluated: 2025-12-08. Review status: criteria provided, single submitter. Criteria: ACMG Guidelines, 2015. Collection method: clinical testing. Allele origin: germline. Affected: yes.
Comment: The variant is not observed in the gnomAD v4.1.0 dataset. Predicted Consequence/Location: Stop-gained (nonsense): predicted to result in a loss or disruption of normal protein function through nonsense-mediated decay (NMD) or protein truncation. Multiple pathogenic variants are reported downstream of the variant. Frameshift: predicted to result in a loss or disruption of normal protein function through nonsense-mediated decay (NMD) or protein truncation. Multiple pathogenic variants are reported downstream of the variant. Therefore, this variant is classified as VUS according to the recommendation of ACMG/AMP guideline.